The following is an entry in ClinVar:

ClinVar aggregate classification (germline): Uncertain significance (1 of 4 stars; one submission).

Conditions:
Neurofibromatosis, type 1 (NF1). Also called: NEUROFIBROMATOSIS, TYPE I, SOMATIC; Peripheral type neurofibromatosis; Neurofibromatosis, type I; VON RECKLINGHAUSEN DISEASE. Identifiers: Orphanet 636, MedGen C0027831, MONDO:0018975, OMIM 162200. Disease mechanism: loss of function.

Submission:

Labcorp Genetics (formerly Invitae), Labcorp
Classification: Uncertain significance for Neurofibromatosis, type 1. Last evaluated: 2024-06-25. Review status: criteria provided, single submitter. Criteria: Invitae Variant Classification Sherloc (09022015). Collection method: clinical testing. Allele origin: germline.
Comment: This sequence change replaces glutamine, which is neutral and polar, with proline, which is neutral and non-polar, at codon 1870 of the NF1 protein (p.Gln1870Pro). This variant is not present in population databases (gnomAD no frequency). This variant has not been reported in the literature in individuals affected with NF1-related conditions. Advanced modeling of protein sequence and biophysical properties (such as structural, functional, and spatial information, amino acid conservation, physicochemical variation, residue mobility, and thermodynamic stability) performed at Invitae indicates that this missense variant is expected to disrupt NF1 protein function with a positive predictive value of 95%. In summary, the available evidence is currently insufficient to determine the role of this variant in disease. Therefore, it has been classified as a Variant of Uncertain Significance.

NM_001042492.3(NF1):c.5672A>C (p.Gln1891Pro)

Gene: NF1 (neurofibromin 1; plus strand). Cytogenetic location: 17q11.2.
Variant type: single nucleotide variant.
Coding change: c.5672A>C on transcript NM_001042492.3 (MANE Select); coding-DNA position 5672, A replaced by C.
Protein change: p.Gln1891Pro; replaces glutamine 1891 with proline.
Molecular consequence: missense variant.
Genome position (GRCh38, 1-based): chr17:31,330,358, A>C. VCF-style: chr17-31330358-A-C. GRCh37 (hg19) VCF-style: chr17-29657376-A-C.
Other names: c.5609A>C, p.Gln1870Pro (NM_000267.4); short protein forms Q1870P, Q1891P.
Identifiers: ClinVar variation 2956377 (VCV002956377.3), dbSNP rs2508718267, ClinGen allele CA399010225.